The following is an entry in ClinVar:

NC_000015.9:g.(?_100649174)_(100657238_?)del

Gene: ADAMTS17 (ADAM metallopeptidase with thrombospondin type 1 motif 17; minus strand). Cytogenetic location: 15q26.3.
Variant type: Deletion.
Identifiers: ClinVar variation 3243914 (VCV003243914.1).

ClinVar aggregate classification (germline): Pathogenic (1 of 4 stars; one submission).

Submission:

Labcorp Genetics (formerly Invitae), Labcorp
Classification: Pathogenic. Last evaluated: 2023-07-28. Review status: criteria provided, single submitter. Criteria: Invitae Variant Classification Sherloc (09022015). Collection method: clinical testing. Allele origin: unknown.
Comment: For these reasons, this variant has been classified as Pathogenic. This variant has not been reported in the literature in individuals affected with ADAMTS17-related conditions. This variant is a gross deletion of the genomic region encompassing exon(s) 13-14 of the ADAMTS17 gene. This deletion is out-of-frame, and is expected to create a premature termination codon and result in an absent or disrupted protein product. Loss-of-function variants in ADAMTS17 are known to be pathogenic (PMID: 19836009, 24940034).

Literature cited by the submitters: PubMed 19836009; PubMed 24940034.